The following is an entry in ClinVar:

NM_152703.5(SAMD9L):c.4423C>T (p.Leu1475Phe)

Gene: SAMD9L (sterile alpha motif domain containing 9 like; minus strand). Cytogenetic location: 7q21.2.
Variant type: single nucleotide variant.
Coding change: c.4423C>T on transcript NM_152703.5 (MANE Select); coding-DNA position 4423, C replaced by T.
Protein change: p.Leu1475Phe; replaces leucine 1475 with phenylalanine.
Molecular consequence: missense variant.
Genome position (GRCh38, 1-based): chr7:93,131,549, G>A on the plus strand (C>T on the coding strand, the complement: SAMD9L is on the minus strand). VCF-style: chr7-93131549-G-A. GRCh37 (hg19) VCF-style: chr7-92760862-G-A.
Other names: c.4423C>T, p.Leu1475Phe (NM_001303496.3, NM_001303497.3, NM_001303498.3 and 5 more transcripts); short protein forms L1475F.
Identifiers: ClinVar variation 3437138 (VCV003437138.1).

ClinVar aggregate classification (germline): Uncertain significance (1 of 4 stars; one submission).

Conditions:
Inborn genetic diseases. Identifiers: MedGen C0950123, MeSH D030342.

gnomAD v4.1: 28 of 1,613,850 alleles (0.0017%); highest among the groups gnomAD compares: Non-Finnish European, 0.0022%; no homozygotes.

Submission:

Ambry Genetics
Classification: Uncertain significance for Inborn genetic diseases. Last evaluated: 2024-10-05. Review status: criteria provided, single submitter. Criteria: Ambry Variant Classification Scheme 2023. Collection method: clinical testing. Allele origin: germline.
Comment: The p.L1475F variant (also known as c.4423C>T), located in coding exon 1 of the SAMD9L gene, results from a C to T substitution at nucleotide position 4423. The leucine at codon 1475 is replaced by phenylalanine, an amino acid with highly similar properties. This amino acid position is conserved. In addition, this alteration is predicted to be tolerated by in silico analysis. Based on the available evidence, the clinical significance of this variant remains unclear.